The following is an entry in ClinVar:

ClinVar aggregate classification (germline): Uncertain significance (1 of 4 stars; one submission).

Conditions:
Malignant hyperthermia, susceptibility to, 5 (MHS5). Also called: CACNA1S-Related Malignant Hyperthermia Susceptibility. Identifiers: Orphanet 423, MedGen C1866077, MONDO:0011163, OMIM 601887.

Submission:

All of Us Research Program, National Institutes of Health
Classification: Uncertain significance for Malignant hyperthermia, susceptibility to, 5. Last evaluated: 2024-09-23. Review status: criteria provided, single submitter. Criteria: ACMG Guidelines, 2015. Collection method: clinical testing. Allele origin: germline. Inheritance: Autosomal dominant inheritance. Observed: 1 variant allele, 1 heterozygote.
Comment: This study involves interpretation of variants in research participants for the purpose of population health screening. Participant phenotype was not available at the time of variant classification. Additional details can be found in publication PMID: 35346344, PMCID: PMC8962531

NM_000069.3(CACNA1S):c.2870G>C (p.Cys957Ser)

Gene: CACNA1S (calcium voltage-gated channel subunit alpha1 S; minus strand). Cytogenetic location: 1q32.1.
Variant type: single nucleotide variant.
Coding change: c.2870G>C on transcript NM_000069.3 (MANE Select); coding-DNA position 2870, G replaced by C.
Protein change: p.Cys957Ser; replaces cysteine 957 with serine.
Molecular consequence: missense variant.
Genome position (GRCh38, 1-based): chr1:201,062,498, C>G on the plus strand (G>C on the coding strand, the complement: CACNA1S is on the minus strand). VCF-style: chr1-201062498-C-G. GRCh37 (hg19) VCF-style: chr1-201031626-C-G.
Other names: short protein forms C957S.
Identifiers: ClinVar variation 3386341 (VCV003386341.1).
Genomic context (GRCh38, chr1:201,062,498, plus strand): 5'-CACTGTGCTCCCTGCCCCATGTACCTGCACTCCTCCTCTGTCATCTTGGACAAGTCGGTG[C>G]ACCTGAAGAACTTCCCCTGCAGCCAGGAAGAGGGAGGGAGGGAGGGAGGCATGTTGTCAT-3'
Protein context (NP_000060.2, residues 947-967): VQLFKGKFFR[Cys957Ser]TDLSKMTEEE